The following is an entry in ClinVar:

ClinVar aggregate classification (germline): Likely benign (0 of 4 stars; one submission).

Conditions:
CREBBP-related disorder. Also called: CREBBP-related condition; CREBBP-related disorders.

Submission:

PreventionGenetics, part of Exact Sciences
Classification: Likely benign for CREBBP-related condition. Last evaluated: 2024-07-05. Review status: no assertion criteria provided. Collection method: clinical testing. Allele origin: germline.
Comment: This variant is classified as likely benign based on ACMG/AMP sequence variant interpretation guidelines (Richards et al. 2015 PMID: 25741868, with internal and published modifications).

NM_004380.3(CREBBP):c.4608A>G (p.Glu1536=)

Gene: CREBBP (CREB binding lysine acetyltransferase; minus strand). Cytogenetic location: 16p13.3.
Variant type: single nucleotide variant.
Coding change: c.4608A>G on transcript NM_004380.3 (MANE Select); coding-DNA position 4608, A replaced by G.
Protein change: p.Glu1536=; no amino-acid change (glutamic acid 1536 retained).
Molecular consequence: synonymous variant.
Genome position (GRCh38, 1-based): chr16:3,736,156, T>C on the plus strand (A>G on the coding strand, the complement: CREBBP is on the minus strand). VCF-style: chr16-3736156-T-C. GRCh37 (hg19) VCF-style: chr16-3786157-T-C.
Other names: c.4494A>G, p.Glu1498= (NM_001079846.1).
Identifiers: ClinVar variation 3345434 (VCV003345434.1).